The following is an entry in ClinVar:

NM_020964.3(EPG5):c.543C>G (p.Asp181Glu)

Gene: EPG5 (ectopic P-granules 5 autophagy tethering factor; minus strand). Cytogenetic location: 18q21.1.
Variant type: single nucleotide variant.
Coding change: c.543C>G on transcript NM_020964.3 (MANE Select); coding-DNA position 543, C replaced by G.
Protein change: p.Asp181Glu; replaces aspartic acid 181 with glutamic acid.
Molecular consequence: missense variant.
Genome position (GRCh38, 1-based): chr18:45,954,859, G>C on the plus strand (C>G on the coding strand, the complement: EPG5 is on the minus strand). VCF-style: chr18-45954859-G-C. GRCh37 (hg19) VCF-style: chr18-43534825-G-C.
Other names: c.543C>G, p.Asp181Glu (NM_001410858.1, NM_001410859.1); short protein forms D181E.
Identifiers: ClinVar variation 3509231 (VCV003509231.2).

ClinVar aggregate classification (germline): Uncertain significance. Review status: criteria provided, multiple submitters, no conflicts (2 of 4 stars). 2 submissions from 2 submitters: Uncertain significance (2). Last evaluated 2024-12-04.

Conditions:
Inborn genetic diseases. Identifiers: MedGen C0950123, MeSH D030342.
Vici syndrome (VICIS). Identifiers: Orphanet 1493, MedGen C1855772, MONDO:0009452, OMIM 242840.

gnomAD v4.1: 5 of 1,614,188 alleles (0.00031%); highest among the groups gnomAD compares: Non-Finnish European, 0.00042%; no homozygotes.

Submissions (2):

Ambry Genetics
Classification: Uncertain significance for Inborn genetic diseases. Last evaluated: 2024-12-04. Review status: criteria provided, single submitter. Criteria: Ambry Variant Classification Scheme 2023. Collection method: clinical testing. Allele origin: germline.

Labcorp Genetics (formerly Invitae), Labcorp
Classification: Uncertain significance for Vici syndrome. Last evaluated: 2024-07-29. Review status: criteria provided, single submitter. Criteria: Invitae Variant Classification Sherloc (09022015). Collection method: clinical testing. Allele origin: germline.
Comment: This sequence change replaces aspartic acid, which is acidic and polar, with glutamic acid, which is acidic and polar, at codon 181 of the EPG5 protein (p.Asp181Glu). This variant is not present in population databases (gnomAD no frequency). This variant has not been reported in the literature in individuals affected with EPG5-related conditions. Advanced modeling of protein sequence and biophysical properties (such as structural, functional, and spatial information, amino acid conservation, physicochemical variation, residue mobility, and thermodynamic stability) performed at Invitae indicates that this missense variant is not expected to disrupt EPG5 protein function with a negative predictive value of 80%. In summary, the available evidence is currently insufficient to determine the role of this variant in disease. Therefore, it has been classified as a Variant of Uncertain Significance.